The following is an entry in ClinVar:

NM_002968.3(SALL1):c.1199C>A (p.Ser400Ter)

Gene: SALL1 (spalt like transcription factor 1; minus strand). Cytogenetic location: 16q12.1.
Variant type: single nucleotide variant.
Coding change: c.1199C>A on transcript NM_002968.3 (MANE Select); coding-DNA position 1199, C replaced by A.
Protein change: p.Ser400Ter; replaces serine 400 with a stop codon.
Molecular consequence: nonsense.
Genome position (GRCh38, 1-based): chr16:51,141,023, G>T on the plus strand (C>A on the coding strand, the complement: SALL1 is on the minus strand). VCF-style: chr16-51141023-G-T. GRCh37 (hg19) VCF-style: chr16-51174934-G-T.
Other names: c.908C>A, p.Ser303Ter (NM_001127892.2); short protein forms S303*, S400*.
Identifiers: ClinVar variation 3648236 (VCV003648236.2).

ClinVar aggregate classification (germline): Pathogenic (1 of 4 stars; one submission).

Conditions:
Townes syndrome (TBS). Also called: Townes-Brocks syndrome. Identifiers: Orphanet 857, MedGen C0265246, MeSH C536974, MONDO:0007142.

Submission:

Labcorp Genetics (formerly Invitae), Labcorp
Classification: Pathogenic for Townes syndrome. Last evaluated: 2024-05-27. Review status: criteria provided, single submitter. Criteria: Invitae Variant Classification Sherloc (09022015). Collection method: clinical testing. Allele origin: germline.
Comment: This sequence change creates a premature translational stop signal (p.Ser400*) in the SALL1 gene. It is expected to result in an absent or disrupted protein product. Loss-of-function variants in SALL1 are known to be pathogenic (PMID: 9973281, 12915476, 16088922, 23069192). This variant is not present in population databases (gnomAD no frequency). This variant has not been reported in the literature in individuals affected with SALL1-related conditions. For these reasons, this variant has been classified as Pathogenic.

Literature cited by the submitters: PubMed 9973281; PubMed 12915476; PubMed 16088922; PubMed 23069192.